The following is an entry in ClinVar:

NM_001267550.2(TTN):c.18528T>C (p.Tyr6176=)

Genes: TTN (titin; minus strand), LOC126806430 (BRD4-independent group 4 enhancer GRCh37_chr2:179593794-179594993; plus strand). Cytogenetic location: 2q31.2.
Variant type: single nucleotide variant.
Coding change: c.18528T>C on transcript NM_001267550.2 (MANE Select); coding-DNA position 18528, T replaced by C.
Protein change: p.Tyr6176=; no amino-acid change (tyrosine 6176 retained).
Molecular consequence: synonymous variant. On other transcripts: intron variant (3).
Genome position (GRCh38, 1-based): chr2:178,729,725, A>G on the plus strand (T>C on the coding strand, the complement: TTN is on the minus strand). VCF-style: chr2-178729725-A-G. GRCh37 (hg19) VCF-style: chr2-179594452-A-G.
Other names: c.17577T>C, p.Tyr5859= (NM_001256850.1); c.14796T>C, p.Tyr4932= (NM_133378.4); c.13282+8357T>C (NM_003319.4); c.13858+8357T>C (NM_133437.4); c.13657+8357T>C (NM_133432.3).
Identifiers: ClinVar variation 413041 (VCV000413041.15), dbSNP rs375408819, ClinGen allele CA2001608.
Genomic context (GRCh38, chr2:178,729,725, plus strand): 5'-TTTCACTTTGAGTTCAATGCTGCAGCTCGCCGTGCCTGCGTCATTTCGAGCTTCACACAC[A>G]TAAGTCCCACTATTTTCTACCCTGGCACCAGAAATCTGGAAAGTGGCTAAACCATCAATG-3'
Protein context (NP_001254479.2, residues 6166-6186): SGARVENSGT[Tyr6176=]VCEARNDAGT

ClinVar aggregate classification (germline): Likely benign. Review status: criteria provided, multiple submitters, no conflicts (2 of 4 stars). 3 submissions from 3 submitters: Likely benign (3). Last evaluated 2026-09-01.

Conditions:
TTN-related disorder. Also called: TTN-related disorders; TTN-related condition; TTN-related disease.
Autosomal recessive limb-girdle muscular dystrophy type 2J (LGMDR10). Also called: Limb-girdle muscular dystrophy, type 2J; MUSCULAR DYSTROPHY, LIMB-GIRDLE, AUTOSOMAL RECESSIVE 10. Identifiers: Orphanet 140922, MedGen C1837342, MONDO:0012127, OMIM 608807.
Dilated cardiomyopathy 1G (CMD1G). Identifiers: Orphanet 154, MedGen C1858763, MONDO:0011400, OMIM 604145.

Allele frequency attached by ClinVar (database versions not stated): gnomAD exomes 0.00001 and 0.00003; ExAC 0.00002; TOPMed 0.00002; gnomAD 0.00004; ESP Exome Variant Server 0.00008.
gnomAD v4.1: 56 of 1,613,682 alleles (0.0035%); highest among the groups gnomAD compares: East Asian, 0.0089%; no homozygotes.

Submissions (3):

PreventionGenetics, part of Exact Sciences
Classification: Likely benign for TTN-related condition. Last evaluated: 2026-09-01. Review status: criteria provided, single submitter. Criteria: ACMG Guidelines, 2015. Collection method: clinical testing. Allele origin: germline.
Comment: This variant is classified as likely benign based on ACMG/AMP sequence variant interpretation guidelines (Richards et al. 2015 PMID: 25741868, with internal and published modifications).

Labcorp Genetics (formerly Invitae), Labcorp
Classification: Likely benign for Dilated cardiomyopathy 1G; Autosomal recessive limb-girdle muscular dystrophy type 2J. Last evaluated: 2025-06-23. Review status: criteria provided, single submitter. Criteria: Invitae Variant Classification Sherloc (09022015). Collection method: clinical testing. Allele origin: germline.

GeneDx
Classification: Likely benign. Last evaluated: 2020-08-06. Review status: criteria provided, single submitter. Criteria: GeneDx Variant Classification Process June 2021. Collection method: clinical testing. Allele origin: germline. Affected: yes.